The following is an entry in ClinVar:

ClinVar aggregate classification (germline): Uncertain significance (1 of 4 stars; one submission).

Conditions:
Dextro-looped transposition of the great arteries. Also called: Dextrotransposition of the great arteries. Identifiers: Orphanet 860, MedGen C3531771, MONDO:0019443, OMIM 608808, HP:0031348.

gnomAD v4.1: 6 of 1,606,004 alleles (0.00037%); highest among the groups gnomAD compares: Non-Finnish European, 0.00043%; no homozygotes.

Submission:

Labcorp Genetics (formerly Invitae), Labcorp
Classification: Uncertain significance for Dextro-looped transposition of the great arteries. Last evaluated: 2024-09-10. Review status: criteria provided, single submitter. Criteria: Invitae Variant Classification Sherloc (09022015). Collection method: clinical testing. Allele origin: germline.
Comment: This sequence change falls in intron 13 of the MED13L gene. It does not directly change the encoded amino acid sequence of the MED13L protein. This variant is not present in population databases (gnomAD no frequency). This variant has not been reported in the literature in individuals affected with MED13L-related conditions. Algorithms developed to predict the effect of sequence changes on RNA splicing suggest that this variant may create or strengthen a splice site. In summary, the available evidence is currently insufficient to determine the role of this variant in disease. Therefore, it has been classified as a Variant of Uncertain Significance.

NM_015335.5(MED13L):c.2470-17A>G

Gene: MED13L (mediator complex subunit 13L; minus strand). Cytogenetic location: 12q24.21.
Variant type: single nucleotide variant.
Coding change: c.2470-17A>G on transcript NM_015335.5 (MANE Select); 17 bases into the intron before coding-DNA position 2470, A replaced by G.
Molecular consequence: intron variant.
Genome position (GRCh38, 1-based): chr12:116,003,119, T>C on the plus strand (A>G on the coding strand, the complement: MED13L is on the minus strand). VCF-style: chr12-116003119-T-C. GRCh37 (hg19) VCF-style: chr12-116440924-T-C.
Identifiers: ClinVar variation 3670762 (VCV003670762.2).
Genomic context (GRCh38, chr12:116,003,119, plus strand): 5'-CCAACTGCAGGCATTTTTGATGAGCGCAGAGCAGGTGATACAGCCTAAGAACAGACGGTG[T>C]TATTAAAACAGAGTGACGTGTATATAAGTAGGGCAGCATTCAAATATTTCCTAATGTATG-3'